The following is an entry in ClinVar:

NM_001165963.4(SCN1A):c.602+2dup

Gene: SCN1A (sodium voltage-gated channel alpha subunit 1; minus strand). Cytogenetic location: 2q24.3.
Variant type: Duplication.
Coding change: c.602+2dup on transcript NM_001165963.4 (MANE Select); the canonical splice donor site of the intron after coding-DNA position 602, one base duplicated (T; older notation c.602+2dupT).
Molecular consequence: splice donor variant.
Genome position (GRCh38, 1-based): chr2:166,054,636, A duplicated on the plus strand (T on the coding strand, the reverse complement: SCN1A is on the minus strand). VCF-style (leftmost placement, unchanged base first): chr2-166054635-T-TA. GRCh37 (hg19) VCF-style: chr2-166911145-T-TA.
Other names: c.602+2dup (NM_001353949.2, NM_001353958.2, NM_001353950.2 and 10 more transcripts); c.-1824+2dup (NM_001353961.2).
Identifiers: ClinVar variation 206892 (VCV000206892.9), dbSNP rs796053054, ClinGen allele CA317698.
Genomic context (GRCh38, chr2:166,054,635, plus strand): 5'-AGCATAAGCACTGATGGAAAACCAAACTATGTTCTCTCTTAAAGTTTCAAAAAAGGCACT[T>TA]ACGCAAATGTAATGACAGTGAAATCGAGCCAGTTCCATGGATCCCGAAGGAAAGTAAAAT-3'

ClinVar aggregate classification (germline): Pathogenic/Likely pathogenic. Review status: criteria provided, multiple submitters, no conflicts (2 of 4 stars). 2 submissions from 2 submitters: Pathogenic (1); Likely pathogenic (1). Last evaluated 2020-07-17.

Conditions:
Early-infantile DEE. Also called: Ohtahara syndrome; Early infantile epileptic encephalopathy; Early infantile epileptic encephalopathy with suppression bursts. Identifiers: Orphanet 1934, MedGen C0393706, MONDO:0800491.

Submissions (2):

Labcorp Genetics (formerly Invitae), Labcorp
Classification: Likely pathogenic for Early-infantile DEE. Last evaluated: 2020-07-17. Review status: criteria provided, single submitter. Criteria: Invitae Variant Classification Sherloc (09022015). Collection method: clinical testing. Allele origin: germline.
Comment: In summary, the currently available evidence indicates that the variant is pathogenic, but additional data are needed to prove that conclusively. Therefore, this variant has been classified as Likely Pathogenic. Nucleotide substitutions within the consensus splice site are a relatively common cause of aberrant splicing (PMID: 17576681, 9536098). Algorithms developed to predict the effect of sequence changes on RNA splicing suggest that this variant may disrupt the consensus splice site, but this prediction has not been confirmed by published transcriptional studies. This variant has been observed in individual(s) with clinical features of Dravet syndrome (PMID: 30805006, Invitae). In at least one individual the variant was observed to be de novo. ClinVar contains an entry for this variant (Variation ID: 206892). This variant is not present in population databases (ExAC no frequency). This sequence change falls in intron 4 of the SCN1A gene. It does not directly change the encoded amino acid sequence of the SCN1A protein, but it affects a nucleotide within the consensus splice site of the intron.

GeneDx
Classification: Pathogenic. Last evaluated: 2014-07-30. Review status: criteria provided, single submitter. Criteria: GeneDx Variant Classification (06012015). Collection method: clinical testing. Allele origin: germline. Affected: yes.
Comment: c.602+2dupT: IVS4+2dupT in intron 4 of the SCN1A gene (NM_001165963.1) Using upper case to denote exonic base pairs and lower case to denote intronic base pairs, the normal sequence with the duplicated base in brackets is: TGCg(t)aagt. The c.602+2dupT splice site mutation in the SCN1A gene changes the sequence immediately adjacent to the canonical donor site, including the +3 and +5 positions. Multiple in silico algorithms predict this mutation destroys the natural splice donor site in intron 4, leading to abnormal gene splicing. It was not observed in approximately 6,500 individuals of European and African American ancestry in the NHLBI Exome Sequencing Project, indicating it is not a common benign variant in these populations. Although this mutation has not been previously reported to our knowledge, other splice donor site mutations in intron 4 have been published in association with SCN1A-related disorders. Of note, c.602+5G>A was reported as a de novo mutation in a patient with Dravet syndrome (Heron et al., 2010). Therefore, the presence of the c.602+2dupT mutation consistent with a diagnosis of an SCN1A-related disorder. The variant is found in EPILEPSY panel(s).

Literature cited by the submitters: PubMed 17576681 (cited by Labcorp Genetics (formerly Invitae), Labcorp); PubMed 9536098 (cited by Labcorp Genetics (formerly Invitae), Labcorp); PubMed 30805006 (cited by Labcorp Genetics (formerly Invitae), Labcorp).